The following is an entry in ClinVar:

ClinVar aggregate classification (germline): Likely pathogenic (1 of 4 stars; one submission).

Submission:

GeneDx
Classification: Likely pathogenic. Last evaluated: 2023-12-15. Review status: criteria provided, single submitter. Criteria: GeneDx Variant Classification Process June 2021. Collection method: clinical testing. Allele origin: germline. Affected: yes.
Comment: Has not been previously published as pathogenic or benign to our knowledge; Not observed at significant frequency in large population cohorts (gnomAD); In silico analysis supports a deleterious effect on protein structure/function; In-frame deletion of 2 amino acids in a non-repeat region

NM_002294.3(LAMP2):c.854_859del (p.Val285_Phe286del)

Gene: LAMP2 (lysosomal associated membrane protein 2; minus strand). Cytogenetic location: Xq24.
Variant type: Deletion.
Coding change: c.854_859del on transcript NM_002294.3 (MANE Select); coding-DNA positions 854 to 859, 6 bases deleted (TCTTTG; older notation c.854_859delTCTTTG).
Protein change: p.Val285_Phe286del.
Molecular consequence: inframe indel (on NM_002294.2).
Genome position (GRCh38, 1-based): chrX:120,446,310-120,446,315, CAAAGA deleted on the plus strand (TCTTTG on the coding strand, the reverse complement: LAMP2 is on the minus strand); deleting any 6 consecutive bases within chrX:120,446,310-120,446,320 gives the same sequence; the c. name uses the placement nearest the transcript's 3' end. VCF-style (leftmost placement, unchanged base first): chrX-120446309-GCAAAGA-G. GRCh37 (hg19) VCF-style: chrX-119580164-GCAAAGA-G.
Other names: c.854_859del, p.Val285_Phe286del (NM_001122606.1, NM_013995.2); c.849_854delCTTTGT, p.Val285_Phe286del (NM_002294.2).
Identifiers: ClinVar variation 3340319 (VCV003340319.1).